The following is an entry in ClinVar:

NM_005911.6(MAT2A):c.952-19G>A

Genes: GGCX (gamma-glutamyl carboxylase; minus strand), MAT2A (methionine adenosyltransferase 2A; plus strand). Cytogenetic location: 2p11.2.
Variant type: single nucleotide variant.
Coding change: c.952-19G>A on transcript NM_005911.6 (MANE Select); 19 bases into the intron before coding-DNA position 952, G replaced by A.
Molecular consequence: intron variant.
Genome position (GRCh38, 1-based): chr2:85,542,882, G>A. VCF-style: chr2-85542882-G-A. GRCh37 (hg19) VCF-style: chr2-85770005-G-A.
Identifiers: ClinVar variation 506595 (VCV000506595.12), dbSNP rs116037832, ClinGen allele CA1741535.

ClinVar aggregate classification (germline): Benign/Likely benign. Review status: criteria provided, multiple submitters, no conflicts (2 of 4 stars). 4 submissions from 4 submitters: Benign (2); Likely benign (2). Last evaluated 2026-01-24.

Conditions:
Familial thoracic aortic aneurysm and aortic dissection (TAAD). Also called: Thoracic aortic aneurysms and dissections. Identifiers: Orphanet 91387, MedGen C4707243, MONDO:0019625.

Allele frequency attached by ClinVar (database versions not stated): ExAC 0.00077; gnomAD 0.00190 and 0.00203; TOPMed 0.00202; ESP Exome Variant Server 0.00308; 1000 Genomes Project 0.00319; 1000 Genomes Project 30x 0.00328.

Submissions (4):

Labcorp Genetics (formerly Invitae), Labcorp
Classification: Benign for Familial thoracic aortic aneurysm and aortic dissection. Last evaluated: 2026-01-24. Review status: criteria provided, single submitter. Criteria: Invitae Variant Classification Sherloc (09022015). Collection method: clinical testing. Allele origin: germline.

Women's Health and Genetics/Laboratory Corporation of America, LabCorp
Classification: Benign. Last evaluated: 2025-02-28. Review status: criteria provided, single submitter. Criteria: LabCorp Variant Classification Summary - May 2015. Collection method: clinical testing. Allele origin: germline.

Blueprint Genetics
Classification: Likely benign. Last evaluated: 2024-11-13. Review status: criteria provided, single submitter. Criteria: ACMG Guidelines, 2015. Collection method: clinical testing. Allele origin: germline.

GeneDx
Classification: Likely benign. Last evaluated: 2017-10-19. Review status: criteria provided, single submitter. Criteria: GeneDx Variant Classification (06012015). Collection method: clinical testing. Allele origin: germline. Affected: yes.
Comment: This variant is considered likely benign or benign based on one or more of the following criteria: it is a conservative change, it occurs at a poorly conserved position in the protein, it is predicted to be benign by multiple in silico algorithms, and/or has population frequency not consistent with disease.